The following is an entry in ClinVar:

ClinVar aggregate classification (germline): Uncertain significance. Review status: criteria provided, multiple submitters, no conflicts (2 of 4 stars). 2 submissions from 2 submitters: Uncertain significance (2). Last evaluated 2025-03-07.

Allele frequency attached by ClinVar (database versions not stated): gnomAD exomes below 0.00001; gnomAD 0.00001; TOPMed 0.00001.
gnomAD v4.1: 8 of 1,613,210 alleles (0.0005%); highest among the groups gnomAD compares: East Asian, 0.0045%; no homozygotes.

Submissions (2):

Labcorp Genetics (formerly Invitae), Labcorp
Classification: Uncertain significance. Last evaluated: 2025-03-07. Review status: criteria provided, single submitter. Criteria: Invitae Variant Classification Sherloc (09022015). Collection method: clinical testing. Allele origin: germline.
Comment: This sequence change replaces alanine, which is neutral and non-polar, with threonine, which is neutral and polar, at codon 1123 of the DISP1 protein (p.Ala1123Thr). The frequency data for this variant in the population databases is considered unreliable, as metrics indicate poor data quality at this position in the gnomAD database. This variant has not been reported in the literature in individuals affected with DISP1-related conditions. ClinVar contains an entry for this variant (Variation ID: 2802725). An algorithm developed to predict the effect of missense changes on protein structure and function (PolyPhen-2) suggests that this variant is likely to be disruptive. In summary, the available evidence is currently insufficient to determine the role of this variant in disease. Therefore, it has been classified as a Variant of Uncertain Significance.

GeneDx
Classification: Uncertain significance. Last evaluated: 2023-07-31. Review status: criteria provided, single submitter. Criteria: GeneDx Variant Classification Process June 2021. Collection method: clinical testing. Allele origin: germline.
Comment: In silico analysis supports that this missense variant has a deleterious effect on protein structure/function; Has not been previously published as pathogenic or benign to our knowledge; Variants in candidate genes are classified as variants of uncertain significance in accordance with ACMG guidelines (Richards et al., 2015)

NM_001377229.1(DISP1):c.3367G>A (p.Ala1123Thr)

Gene: DISP1 (dispatched RND transporter family member 1; plus strand). Cytogenetic location: 1q41.
Variant type: single nucleotide variant.
Coding change: c.3367G>A on transcript NM_001377229.1 (MANE Select); coding-DNA position 3367, G replaced by A.
Protein change: p.Ala1123Thr; replaces alanine 1123 with threonine.
Molecular consequence: missense variant.
Genome position (GRCh38, 1-based): chr1:223,004,764, G>A. VCF-style: chr1-223004764-G-A. GRCh37 (hg19) VCF-style: chr1-223178106-G-A.
Other names: c.3367G>A (NM_032890.3); c.2638G>A, p.Ala880Thr (NM_001350630.2); c.3367G>A, p.Ala1123Thr (NM_001369594.1, NM_001377228.1, NM_032890.5); short protein forms A1123T, A880T.
Identifiers: ClinVar variation 2802725 (VCV002802725.4), dbSNP rs1402808733, ClinGen allele CA344688323.